The following is an entry in ClinVar:

NM_000540.3(RYR1):c.6742C>T (p.Arg2248Cys)

Gene: RYR1 (ryanodine receptor 1; plus strand). Cytogenetic location: 19q13.2.
Variant type: single nucleotide variant.
Coding change: c.6742C>T on transcript NM_000540.3 (MANE Select); coding-DNA position 6742, C replaced by T.
Protein change: p.Arg2248Cys; replaces arginine 2248 with cysteine.
Molecular consequence: missense variant.
Genome position (GRCh38, 1-based): chr19:38,496,487, C>T. VCF-style: chr19-38496487-C-T. GRCh37 (hg19) VCF-style: chr19-38987127-C-T.
Other names: NM_000540.2(RYR1):c.6742C>T; p.Arg2248Cys; c.6742C>T, p.Arg2248Cys (NM_001042723.2); short protein forms R2248C.
Identifiers: ClinVar variation 568713 (VCV000568713.18), dbSNP rs763352221, ClinGen allele CA068623.
Genomic context (GRCh38, chr19:38,496,487, plus strand): 5'-ATGGTGACAAGCTGCTGCCGCTTCCTCTGCTATTTCTGCCGAATCAGCCGGCAGAACCAG[C>T]GCTCCATGTTTGACCACCTGAGCTACCTGCTGGAGAACAGTGGCATCGGCCTGGGTGAGA-3'
Protein context (NP_000531.2, residues 2238-2258): YFCRISRQNQ[Arg2248Cys]SMFDHLSYLL

ClinVar aggregate classification (germline): Uncertain significance. Review status: reviewed by expert panel (3 of 4 stars). 7 submissions from 7 submitters: Uncertain significance (1). 6 of the submissions do not count toward it. Last evaluated 2025-08-01.

Conditions:
Malignant hyperthermia, susceptibility to, 1 (MHS1). Also called: RYR1-Related Malignant Hyperthermia Susceptibility; Anesthesia related hyperthermia; Malignant hyperpyrexia; Fulminating hyperpyrexia; Pharmacogenic myopathy; Malignant hyperthermia suceptibility 1. Identifiers: Orphanet 423, MedGen C2930980, MONDO:0007783, OMIM 145600.
RYR1-related disorder. Also called: RYR1-related condition; RYR1-related disorders. Identifiers: MedGen CN239331.
Malignant hyperthermia of anesthesia. Also called: Anesthesic-triggered malignant hyperthermia. Identifiers: Orphanet 423, MedGen C0024591, MONDO:0018493, HP:0034733.

Allele frequency attached by ClinVar (database versions not stated): gnomAD 0.00001; gnomAD exomes 0.00004 and 0.00009; TOPMed 0.00004; ExAC 0.00007.
gnomAD v4.1: 63 of 1,613,586 alleles (0.0039%); highest among the groups gnomAD compares: Middle Eastern, 0.016%; no homozygotes.

Submissions (7):

ClinGen Malignant Hyperthermia Susceptibility Variant Curation Expert Panel, ClinGen
Classification: Uncertain significance for Malignant hyperthermia of anesthesia. Last evaluated: 2025-08-01. Review status: reviewed by expert panel. Criteria: ClinGen MHS ACMG Specifications V2. Collection method: curation. Allele origin: germline. Inheritance: Autosomal dominant inheritance.
Comment: This pathogenicity assessment is relevant only for malignant hyperthermia susceptibility (MHS) inherited in an autosomal dominant pattern. Variants in RYR1 can also cause other myopathies inherited in an autosomal dominant pattern or in an autosomal recessive pattern. Some of these disorders may predispose individuals to malignant hyperthermia. RYR1 variants may also contribute to a malignant hyperthermia reaction in combination with other genetic and non-genetic factors and the clinician needs to consider such factors in making management decisions. This sequence variant predicts a substitution of arginine with cysteine at codon 2248 of the RYR1 protein, p.(Arg2248Cys). The maximum allele frequency for this variant among the six major gnomAD populations is AMR: 0.000231, a frequency consistent with pathogenicity for MHS. This variant has been reported in two unrelated individuals who have a personal or family history of a malignant hyperthermia reaction; both of these individuals had a positive in vitro contracture test (IVCT) or caffeine halothane contracture test (CHCT) result (if the proband was unavailable for testing, a positive diagnostic test result in a mutation-positive relative was counted) (PMID:20681998, PMID:30236257). However, the high MAF in the AMR population in gnomAD precludes the use of PS4. No functional studies were identified for this variant. This variant resides in a region of RYR1 considered to be a hotspot for pathogenic variants that contribute to MHS, PM1 (PMID: 21118704). A REVEL score of 0.694 supports neither a pathogenic nor a benign status for this variant. This variant has been classified as a Variant of Unknown Significance. Criteria implemented: PM1.

Labcorp Genetics (formerly Invitae), Labcorp
Classification: Uncertain significance for RYR1-related disorder. Last evaluated: 2026-01-08. Review status: criteria provided, single submitter. Criteria: Invitae Variant Classification Sherloc (09022015). Collection method: clinical testing. Allele origin: germline. Not counted in ClinVar's aggregate classification.
Comment: This sequence change replaces arginine, which is basic and polar, with cysteine, which is neutral and slightly polar, at codon 2248 of the RYR1 protein (p.Arg2248Cys). This variant is present in population databases (rs763352221, gnomAD 0.02%). This missense change has been observed in individual(s) with malignant hyperthermia susceptibility (PMID: 20681998, 25658027). ClinVar contains an entry for this variant (Variation ID: 568713). Invitae Evidence Modeling of protein sequence and biophysical properties (such as structural, functional, and spatial information, amino acid conservation, physicochemical variation, residue mobility, and thermodynamic stability) has been performed for this missense variant. However, the output from this modeling did not meet the statistical confidence thresholds required to predict the impact of this variant on RYR1 protein function. In summary, the available evidence is currently insufficient to determine the role of this variant in disease. Therefore, it has been classified as a Variant of Uncertain Significance.

GeneDx
Classification: Uncertain significance. Last evaluated: 2024-09-03. Review status: criteria provided, single submitter. Criteria: GeneDx Variant Classification Process June 2021. Collection method: clinical testing. Allele origin: germline. Affected: yes. Not counted in ClinVar's aggregate classification.
Comment: Reported as heterozygous in individuals with malignant hyperthermia; however functional studies of this variant have not been performed to our knowledge (PMID: 30236257, 25658027, 20681998); In silico analysis supports that this missense variant has a deleterious effect on protein structure/function; This variant is associated with the following publications: (PMID: 16084090, 20681998, 32098966, 25658027, 12668474, 33767344, 30236257)

Women's Health and Genetics/Laboratory Corporation of America, LabCorp
Classification: Uncertain significance. Last evaluated: 2024-06-18. Review status: criteria provided, single submitter. Criteria: LabCorp Variant Classification Summary - May 2015. Collection method: clinical testing. Allele origin: germline. Not counted in ClinVar's aggregate classification.
Comment: Variant summary: RYR1 c.6742C>T (p.Arg2248Cys) results in a non-conservative amino acid change located in the RIH domain (IPR000699) of the encoded protein sequence. Five of five in-silico tools predict a damaging effect of the variant on protein function. The variant allele was found at a frequency of 9.2e-05 in 251104 control chromosomes. This frequency is not significantly higher than estimated for a pathogenic variant in RYR1 causing Congenital Multicore Myopathy With External Ophthalmoplegia, allowing no conclusion about variant significance. c.6742C>T has been reported in the literature in individuals affected with malignant hyperthermia (Fiszer_2015, Tammaro_2011) and myopathy (Tordjman_2018). These report(s) do not provide unequivocal conclusions about association of the variant with Congenital Multicore Myopathy With External Ophthalmoplegia. To our knowledge, no experimental evidence demonstrating an impact on protein function has been reported. The following publications have been ascertained in the context of this evaluation (PMID: 25658027, 20681998, 29802573). ClinVar contains an entry for this variant (Variation ID: 568713). Based on the evidence outlined above, the variant was classified as uncertain significance.

All of Us Research Program, National Institutes of Health
Classification: Uncertain significance for Malignant hyperthermia, susceptibility to, 1. Last evaluated: 2024-06-11. Review status: criteria provided, single submitter. Criteria: ACMG Guidelines, 2015. Collection method: clinical testing. Allele origin: germline. Inheritance: Autosomal dominant inheritance. Observed: 14 variant alleles, 14 heterozygotes. Not counted in ClinVar's aggregate classification.
Comment: This missense variant replaces arginine with cysteine at codon 2248 of the RYR1 protein. Computational prediction is inconclusive regarding the impact of this variant on protein structure and function (internally defined REVEL score threshold 0.5 < inconclusive < 0.7, PMID: 27666373). To our knowledge, functional studies have not been reported for this variant. This variant has been reported in two families affected with malignant hyperthermia susceptibility (PMID: 20681998, 25658027). This variant has been identified in 23/251104 chromosomes in the general population by the Genome Aggregation Database (gnomAD). Due to insufficient evidence, this variant is classified as a Variant of Uncertain Significance for autosomal dominant malignant hyperthermia susceptibility.

This study involves interpretation of variants in research participants for the purpose of population health screening. Participant phenotype was not available at the time of variant classification. Additional details can be found in publication PMID: 35346344, PMCID: PMC8962531

Color Diagnostics, LLC DBA Color Health
Classification: Uncertain significance for Malignant hyperthermia, susceptibility to, 1. Last evaluated: 2023-08-10. Review status: criteria provided, single submitter. Criteria: ACMG Guidelines, 2015. Collection method: clinical testing. Allele origin: germline. Not counted in ClinVar's aggregate classification.
Comment: This missense variant replaces arginine with cysteine at codon 2248 of the RYR1 protein. Computational prediction is inconclusive regarding the impact of this variant on protein structure and function. To our knowledge, functional studies have not been reported for this variant. This variant has been reported in two families affected with malignant hyperthermia susceptibility (PMID: 20681998, 25658027). This variant has been identified in 23/251104 chromosomes in the general population by the Genome Aggregation Database (gnomAD). Due to insufficient evidence, this variant is classified as a Variant of Uncertain Significance for autosomal dominant malignant hyperthermia susceptibility.

Revvity Omics, Revvity
Classification: Uncertain significance. Last evaluated: 2022-06-13. Review status: criteria provided, single submitter. Criteria: ACMG Guidelines, 2015. Collection method: clinical testing. Allele origin: germline. Not counted in ClinVar's aggregate classification.

Literature cited by the submitters: PubMed 20681998 (cited by 4 submitters); PubMed 25658027 (cited by 4 submitters); PubMed 29802573 (cited by Women's Health and Genetics/Laboratory Corporation of America, LabCorp).